The following is an entry in ClinVar:

NM_170606.3(KMT2C):c.9087A>G (p.Gln3029=)

Gene: KMT2C (lysine methyltransferase 2C; minus strand). Cytogenetic location: 7q36.1.
Variant type: single nucleotide variant.
Coding change: c.9087A>G on transcript NM_170606.3 (MANE Select); coding-DNA position 9087, A replaced by G.
Protein change: p.Gln3029=; no amino-acid change (glutamine 3029 retained).
Molecular consequence: synonymous variant.
Genome position (GRCh38, 1-based): chr7:152,176,366, T>C on the plus strand (A>G on the coding strand, the complement: KMT2C is on the minus strand). VCF-style: chr7-152176366-T-C. GRCh37 (hg19) VCF-style: chr7-151873451-T-C.
Other names: c.9087A>G (NM_170606.2).
Identifiers: ClinVar variation 2658205 (VCV002658205.25), dbSNP rs1022857427, ClinGen allele CA169204674.
Genomic context (GRCh38, chr7:152,176,366, plus strand): 5'-TTCTAGAAGAAGGGGCCTCTCTCTATTCTGCTGTGCTAATGTTTGAGGAATCATTAGCTG[T>C]TGGGGTCCAGACATGCTACTGGTACCAGACTGACTTGTTTGAGGCCCAGTTTGAGTTGCA-3'
Protein context (NP_733751.2, residues 3019-3039): QSGTSSMSGP[Gln3029=]QLMIPQTLAQ

ClinVar aggregate classification (germline): Likely benign. Review status: criteria provided, multiple submitters, no conflicts (2 of 4 stars). 2 submissions from 2 submitters: Likely benign (2). Last evaluated 2024-12-20.

Conditions:
KMT2C-related disorder. Also called: KMT2C-related condition; KMT2C-related disorders.

Allele frequency attached by ClinVar (database versions not stated): gnomAD exomes below 0.00001; gnomAD 0.00002; TOPMed 0.00002.
gnomAD v4.1: 5 of 1,614,042 alleles (0.00031%); highest among the groups gnomAD compares: African/African-American, 0.0027%; no homozygotes.

Submissions (2):

PreventionGenetics, part of Exact Sciences
Classification: Likely benign for KMT2C-related condition. Last evaluated: 2024-12-20. Review status: criteria provided, single submitter. Criteria: ACMG Guidelines, 2015. Collection method: clinical testing. Allele origin: germline.
Comment: This variant is classified as likely benign based on ACMG/AMP sequence variant interpretation guidelines (Richards et al. 2015 PMID: 25741868, with internal and published modifications).

CeGaT Center for Human Genetics Tuebingen
Classification: Likely benign. Last evaluated: 2023-02-01. Review status: criteria provided, single submitter. Criteria: CeGaT Center For Human Genetics Tuebingen Variant Classification Criteria Version 2. Collection method: clinical testing. Allele origin: germline. Affected: yes. Observed: 1 variant allele.
Comment: KMT2C: BP4, BP7